The following is an entry in ClinVar:

ClinVar aggregate classification (germline): Uncertain significance (1 of 4 stars; one submission).

gnomAD v4.1: 4 of 1,613,208 alleles (0.00025%); highest among the groups gnomAD compares: South Asian, 0.0044%; no homozygotes.

Submission:

Labcorp Genetics (formerly Invitae), Labcorp
Classification: Uncertain significance. Last evaluated: 2024-03-25. Review status: criteria provided, single submitter. Criteria: Invitae Variant Classification Sherloc (09022015). Collection method: clinical testing. Allele origin: germline.
Comment: This sequence change replaces serine, which is neutral and polar, with leucine, which is neutral and non-polar, at codon 115 of the EIF2AK1 protein (p.Ser115Leu). This variant is present in population databases (rs760196721, gnomAD 0.003%). This variant has not been reported in the literature in individuals affected with EIF2AK1-related conditions. An algorithm developed to predict the effect of missense changes on protein structure and function (PolyPhen-2) suggests that this variant is likely to be tolerated. In summary, the available evidence is currently insufficient to determine the role of this variant in disease. Therefore, it has been classified as a Variant of Uncertain Significance.

NM_014413.4(EIF2AK1):c.344C>T (p.Ser115Leu)

Gene: EIF2AK1 (eukaryotic translation initiation factor 2 alpha kinase 1; minus strand). Cytogenetic location: 7p22.1.
Variant type: single nucleotide variant.
Coding change: c.344C>T on transcript NM_014413.4 (MANE Select); coding-DNA position 344, C replaced by T.
Protein change: p.Ser115Leu; replaces serine 115 with leucine.
Molecular consequence: missense variant.
Genome position (GRCh38, 1-based): chr7:6,049,979, G>A on the plus strand (C>T on the coding strand, the complement: EIF2AK1 is on the minus strand). VCF-style: chr7-6049979-G-A. GRCh37 (hg19) VCF-style: chr7-6089610-G-A.
Other names: c.344C>T, p.Ser115Leu (NM_001134335.2); short protein forms S115L.
Identifiers: ClinVar variation 3647014 (VCV003647014.2).